The following is an entry in ClinVar:

NM_033109.5(PNPT1):c.1823-8C>G

Gene: PNPT1 (polyribonucleotide nucleotidyltransferase 1; minus strand). Cytogenetic location: 2p16.1.
Variant type: single nucleotide variant.
Coding change: c.1823-8C>G on transcript NM_033109.5 (MANE Select); 8 bases into the intron before coding-DNA position 1823, C replaced by G.
Molecular consequence: intron variant.
Genome position (GRCh38, 1-based): chr2:55,644,728, G>C on the plus strand (C>G on the coding strand, the complement: PNPT1 is on the minus strand). VCF-style: chr2-55644728-G-C. GRCh37 (hg19) VCF-style: chr2-55871863-G-C.
Identifiers: ClinVar variation 2650947 (VCV002650947.24), dbSNP rs376112902, ClinGen allele CA2659130986.

ClinVar aggregate classification (germline): Uncertain significance (1 of 4 stars; one submission).

gnomAD v4.1: 2 of 1,590,162 alleles (0.00013%); highest among the groups gnomAD compares: Non-Finnish European, 0.00017%; no homozygotes.

Submission:

CeGaT Center for Human Genetics Tuebingen
Classification: Uncertain significance. Last evaluated: 2023-08-01. Review status: criteria provided, single submitter. Criteria: CeGaT Center For Human Genetics Tuebingen Variant Classification Criteria Version 2. Collection method: clinical testing. Allele origin: germline. Affected: yes. Observed: 1 variant allele.
Comment: PNPT1: PM2, PP3